The following is an entry in ClinVar:

ClinVar aggregate classification (germline): Uncertain significance. Review status: criteria provided, multiple submitters, no conflicts (2 of 4 stars). 2 submissions from 2 submitters: Uncertain significance (2). Last evaluated 2025-11-05.

Allele frequency attached by ClinVar (database versions not stated): gnomAD exomes 0.00004; ESP Exome Variant Server 0.00008; TOPMed 0.00024; gnomAD 0.00023; ExAC 0.00001; 1000 Genomes Project 30x 0.00016; 1000 Genomes Project 0.00020.
gnomAD v4.1: 98 of 1,610,198 alleles (0.0061%); highest among the groups gnomAD compares: African/African-American, 0.061%; no homozygotes.

Submissions (2):

Ambry Genetics
Classification: Uncertain significance. Last evaluated: 2025-11-05. Review status: criteria provided, single submitter. Criteria: Ambry Variant Classification Scheme 2023. Collection method: clinical testing. Allele origin: germline.

Mayo Clinic Laboratories, Mayo Clinic
Classification: Uncertain significance. Last evaluated: 2025-03-26. Review status: criteria provided, single submitter. Criteria: ACMG Guidelines, 2015. Collection method: clinical testing. Allele origin: germline. Observed: 2 variant alleles.
Comment: BP4

NM_002226.5(JAG2):c.3439G>A (p.Val1147Met)

Gene: JAG2 (jagged canonical Notch ligand 2; minus strand). Cytogenetic location: 14q32.33.
Variant type: single nucleotide variant.
Coding change: c.3439G>A on transcript NM_002226.5 (MANE Select); coding-DNA position 3439, G replaced by A.
Protein change: p.Val1147Met; replaces valine 1147 with methionine.
Molecular consequence: missense variant.
Genome position (GRCh38, 1-based): chr14:105,142,973, C>T on the plus strand (G>A on the coding strand, the complement: JAG2 is on the minus strand). VCF-style: chr14-105142973-C-T. GRCh37 (hg19) VCF-style: chr14-105609310-C-T.
Other names: p.Val1147Met; c.3325G>A, p.Val1109Met (NM_145159.3); short protein forms V1109M, V1147M.
Identifiers: ClinVar variation 2466806 (VCV002466806.3), dbSNP rs377350298, ClinGen allele CA7385200.